The following is an entry in ClinVar:

NM_207352.4(CYP4V2):c.183C>G (p.Gly61=)

Gene: CYP4V2 (cytochrome P450 family 4 subfamily V member 2; plus strand). Cytogenetic location: 4q35.1.
Variant type: single nucleotide variant.
Coding change: c.183C>G on transcript NM_207352.4 (MANE Select); coding-DNA position 183, C replaced by G.
Protein change: p.Gly61=; no amino-acid change (glycine 61 retained).
Molecular consequence: synonymous variant.
Genome position (GRCh38, 1-based): chr4:186,192,006, C>G. VCF-style: chr4-186192006-C-G. GRCh37 (hg19) VCF-style: chr4-187113160-C-G.
Other names: c.183C>G (NM_207352.3).
Identifiers: ClinVar variation 1657181 (VCV001657181.10), dbSNP rs200327267, ClinGen allele CA3162433.

ClinVar aggregate classification (germline): Likely benign. Review status: criteria provided, multiple submitters, no conflicts (2 of 4 stars). 3 submissions from 3 submitters: Likely benign (3). Last evaluated 2026-02-24.

Conditions:
CYP4V2-related disorder. Also called: CYP4V2-related disorders; CYP4V2-related condition.

Allele frequency attached by ClinVar (database versions not stated): gnomAD exomes 0.00005; ExAC 0.00011; gnomAD 0.00014; TOPMed 0.00014; 1000 Genomes Project 0.00020; 1000 Genomes Project 30x 0.00031.
gnomAD v4.1: 35 of 1,582,954 alleles (0.0022%); highest among the groups gnomAD compares: East Asian, 0.03%; no homozygotes.

Submissions (3):

PreventionGenetics, part of Exact Sciences
Classification: Likely benign for CYP4V2-related condition. Last evaluated: 2026-02-24. Review status: criteria provided, single submitter. Criteria: ACMG Guidelines, 2015. Collection method: clinical testing. Allele origin: germline.
Comment: This variant is classified as likely benign based on ACMG/AMP sequence variant interpretation guidelines (Richards et al. 2015 PMID: 25741868, with internal and published modifications).

Labcorp Genetics (formerly Invitae), Labcorp
Classification: Likely benign. Last evaluated: 2025-08-30. Review status: criteria provided, single submitter. Criteria: Invitae Variant Classification Sherloc (09022015). Collection method: clinical testing. Allele origin: germline.

Blueprint Genetics
Classification: Likely benign. Last evaluated: 2024-05-23. Review status: criteria provided, single submitter. Criteria: ACMG Guidelines, 2015. Collection method: clinical testing. Allele origin: germline.